The following is an entry in ClinVar:

NM_001999.4(FBN2):c.139G>T (p.Val47Phe)

Gene: FBN2 (fibrillin 2; minus strand). Cytogenetic location: 5q23.3.
Variant type: single nucleotide variant.
Coding change: c.139G>T on transcript NM_001999.4 (MANE Select); coding-DNA position 139, G replaced by T.
Protein change: p.Val47Phe; replaces valine 47 with phenylalanine.
Molecular consequence: missense variant.
Genome position (GRCh38, 1-based): chr5:128,537,465, C>A on the plus strand (G>T on the coding strand, the complement: FBN2 is on the minus strand). VCF-style: chr5-128537465-C-A. GRCh37 (hg19) VCF-style: chr5-127873158-C-A.
Other names: short protein forms V47F.
Identifiers: ClinVar variation 1049136 (VCV001049136.1), dbSNP rs2112810860, ClinGen allele CA360762545.

ClinVar aggregate classification (germline): Uncertain significance (0 of 4 stars; one submission).

Submission:

Department of Pathology and Laboratory Medicine, Sinai Health System
Classification: Uncertain significance. Review status: no assertion criteria provided. Collection method: clinical testing. Allele origin: unknown. Affected: yes. Study: The Canadian Open Genetics Repository (COGR).
Comment: The FBN2 p.Val47Phe variant was not identified in the literature nor was it identified in dbSNP, ClinVar or in the following control databases: the 1000 Genomes Project, the NHLBI GO Exome Sequencing Project, or the Genome Aggregation Database (March 6, 2019, v2.1.1). The p.Val47 residue is conserved across mammals and other organisms however four out of five computational analyses (PolyPhen-2, SIFT, AlignGVGD, BLOSUM, MutationTaster) do not suggest a high likelihood of impact to the protein; this information is not predictive enough to rule out pathogenicity. The variant occurs outside of the splicing consensus sequence and 3 of 4 in silico or computational prediction software programs (SpliceSiteFinder, MaxEntScan, NNSPLICE, GeneSplicer) predict a greater than 10% difference in splicing. However, this has not been confirmed by RNA analysis and is not predictive enough to assume pathogenicity. In summary, based on the above information the clinical significance of this variant cannot be determined with certainty at this time. This variant is classified as a variant of uncertain significance.